The following is an entry in ClinVar:

ClinVar aggregate classification (germline): Likely benign (1 of 4 stars; one submission).

gnomAD v4.1: 19 of 1,606,942 alleles (0.0012%); highest among the groups gnomAD compares: Admixed American, 0.0067%; no homozygotes.

Submission:

CeGaT Center for Human Genetics Tuebingen
Classification: Likely benign. Last evaluated: 2025-12-01. Review status: criteria provided, single submitter. Criteria: CeGaT Center For Human Genetics Tuebingen Variant Classification Criteria Version 2. Collection method: clinical testing. Allele origin: germline. Affected: yes. Observed: 1 variant allele.
Comment: KDM4B: BP4, BS2

NM_015015.3(KDM4B):c.1688A>G (p.Glu563Gly)

Genes: KDM4B (lysine demethylase 4B; plus strand), LOC130063244 (ATAC-STARR-seq lymphoblastoid active region 13796; plus strand). Cytogenetic location: 19p13.3.
Variant type: single nucleotide variant.
Coding change: c.1688A>G on transcript NM_015015.3 (MANE Select); coding-DNA position 1688, A replaced by G.
Protein change: p.Glu563Gly; replaces glutamic acid 563 with glycine.
Molecular consequence: missense variant.
Genome position (GRCh38, 1-based): chr19:5,131,448, A>G. VCF-style: chr19-5131448-A-G. GRCh37 (hg19) VCF-style: chr19-5131459-A-G.
Other names: c.1790A>G, p.Glu597Gly (NM_001411148.1); short protein forms E563G, E597G.
Identifiers: ClinVar variation 4821651 (VCV004821651.4).